The following is an entry in ClinVar:

ClinVar aggregate classification (germline): Uncertain significance. Review status: criteria provided, multiple submitters, no conflicts (2 of 4 stars). 2 submissions from 2 submitters: Uncertain significance (2). Last evaluated 2023-04-28.

Conditions:
Cone-rod dystrophy 13 (CORD13). Identifiers: Orphanet 1872, MedGen C2750720, MONDO:0011987, OMIM 608194.
Leber congenital amaurosis 6 (LCA6). Identifiers: Orphanet 65, MedGen C1854260, MONDO:0013446, OMIM 613826.

Allele frequency attached by ClinVar (database versions not stated): TOPMed 0.00001.
gnomAD v4.1: 16 of 1,613,764 alleles (0.00099%); highest among the groups gnomAD compares: East Asian, 0.0067%; no homozygotes.

Submissions (2):

Blueprint Genetics
Classification: Uncertain significance. Last evaluated: 2023-04-28. Review status: criteria provided, single submitter. Criteria: ACMG Guidelines, 2015. Collection method: clinical testing. Allele origin: germline.

Labcorp Genetics (formerly Invitae), Labcorp
Classification: Uncertain significance for Leber congenital amaurosis 6; Cone-rod dystrophy 13. Last evaluated: 2022-02-04. Review status: criteria provided, single submitter. Criteria: Invitae Variant Classification Sherloc (09022015). Collection method: clinical testing. Allele origin: germline.
Comment: This sequence change replaces alanine, which is neutral and non-polar, with threonine, which is neutral and polar, at codon 513 of the RPGRIP1 protein (p.Ala513Thr). This variant is present in population databases (rs763392584, gnomAD 0.003%). This variant has not been reported in the literature in individuals affected with RPGRIP1-related conditions. ClinVar contains an entry for this variant (Variation ID: 969115). Algorithms developed to predict the effect of missense changes on protein structure and function are either unavailable or do not agree on the potential impact of this missense change (SIFT: "Deleterious"; PolyPhen-2: "Possibly Damaging"; Align-GVGD: "Class C0"). In summary, the available evidence is currently insufficient to determine the role of this variant in disease. Therefore, it has been classified as a Variant of Uncertain Significance.

NM_020366.4(RPGRIP1):c.1537G>A (p.Ala513Thr)

Gene: RPGRIP1 (RPGR interacting protein 1; plus strand). Cytogenetic location: 14q11.2.
Variant type: single nucleotide variant.
Coding change: c.1537G>A on transcript NM_020366.4 (MANE Select); coding-DNA position 1537, G replaced by A.
Protein change: p.Ala513Thr; replaces alanine 513 with threonine.
Molecular consequence: missense variant. On other transcripts: 5 prime UTR variant (1).
Genome position (GRCh38, 1-based): chr14:21,321,328, G>A. VCF-style: chr14-21321328-G-A. GRCh37 (hg19) VCF-style: chr14-21789487-G-A.
Other names: c.463G>A, p.Ala155Thr (NM_001377523.1, NM_001377948.1, NM_001377949.1 and 1 more transcripts); c.-36G>A (NM_001377951.1); short protein forms A155T, A513T.
Identifiers: ClinVar variation 969115 (VCV000969115.11), dbSNP rs763392584, ClinGen allele CA7089000.